The following is an entry in ClinVar:

NM_000383.4(AIRE):c.1265del (p.Pro422fs)

Gene: AIRE (autoimmune regulator; plus strand). Cytogenetic location: 21q22.3.
Variant type: Deletion.
Coding change: c.1265del on transcript NM_000383.4 (MANE Select); coding-DNA position 1265, one base deleted (C; older notation c.1265delC).
Protein change: p.Pro422fs; shifts the reading frame from proline 422.
Molecular consequence: frameshift variant.
Genome position (GRCh38, 1-based): chr21:44,293,162, C deleted; the last of 2 consecutive C bases (chr21:44,293,161-44,293,162); deleting either gives the same sequence. VCF-style (leftmost placement, unchanged base first): chr21-44293160-TC-T. GRCh37 (hg19) VCF-style: chr21-45713043-TC-T.
Other names: c.1265del (NM_000383.3, LRG_18t1); c.1265delC (NM_000383.4, NM_000383.2); short protein forms P422fs.
Identifiers: ClinVar variation 265456 (VCV000265456.19), dbSNP rs764878471, ClinGen allele CA10052009.

ClinVar aggregate classification (germline): Pathogenic. Review status: criteria provided, multiple submitters, no conflicts (2 of 4 stars). 9 submissions from 9 submitters: Pathogenic (8). 1 of the submissions does not count toward it. Last evaluated 2025-12-03.

Conditions:
Polyglandular autoimmune syndrome, type 1 (APS1). Also called: HYPOADRENOCORTICISM WITH HYPOPARATHYROIDISM AND SUPERFICIAL MONILIASIS; Whitaker syndrome; PGA I; Autoimmune polyendocrinopathy syndrome , type I, with or without reversible metaphyseal dysplasia; Autoimmune polyendocrine syndrome type 1; Autoimmune polyendocrinopathy syndrome, type I. Identifiers: Orphanet 3453, MedGen C0085859, MONDO:0009411, OMIM 240300.

Submissions (9):

Women's Health and Genetics/Laboratory Corporation of America, LabCorp
Classification: Pathogenic for Polyglandular autoimmune syndrome, type 1. Last evaluated: 2025-12-03. Review status: criteria provided, single submitter. Criteria: LabCorp Variant Classification Summary - May 2015. Collection method: clinical testing. Allele origin: germline.
Comment: Variant summary: AIRE c.1265delC (p.Pro422LeufsX58) results in a premature termination codon, predicted to cause a truncation of the encoded protein or absence of the protein due to nonsense mediated decay, which are commonly known mechanisms for disease. The variant allele was found at a frequency of 2.2e-05 in 184258 control chromosomes. c.1265delC has been observed in individuals affected with Autoimmune Polyglandular Syndrome Type 1 (e.g. Heino_1999, Pearce_1998, Sanford_2018). These data indicate that the variant is likely associated with disease. To our knowledge, no experimental evidence demonstrating an impact on protein function has been reported. The following publications have been ascertained in the context of this evaluation (PMID: 9888391, 9837820, 2943776). ClinVar contains an entry for this variant (Variation ID: 265456). Based on the evidence outlined above, the variant was classified as pathogenic.

Labcorp Genetics (formerly Invitae), Labcorp
Classification: Pathogenic for Polyglandular autoimmune syndrome, type 1. Last evaluated: 2025-10-14. Review status: criteria provided, single submitter. Criteria: Invitae Variant Classification Sherloc (09022015). Collection method: clinical testing. Allele origin: germline.
Comment: This sequence change creates a premature translational stop signal (p.Pro422Leufs*58) in the AIRE gene. It is expected to result in an absent or disrupted protein product. Loss-of-function variants in AIRE are known to be pathogenic (PMID: 11524731, 26141571). This variant is present in population databases (rs764878471, gnomAD 0.004%). This premature translational stop signal has been observed in individual(s) with autosomal recessive autoimmune polyendocrinopathy syndrome (PMID: 9888391, 29437776). ClinVar contains an entry for this variant (Variation ID: 265456). Algorithms developed to predict the effect of sequence changes on RNA splicing suggest that this variant may disrupt the consensus splice site. For these reasons, this variant has been classified as Pathogenic.

Natera, Inc.
Classification: Pathogenic for Polyglandular autoimmune syndrome type 1. Last evaluated: 2024-10-03. Review status: criteria provided, single submitter. Criteria: Natera Variant Classification Schema (03/2026). Collection method: clinical testing. Allele origin: germline.
Comment: The c.1265delC variant in AIRE is a frameshift variant predicted to shift the reading frame beginning at codon 422 and leads to a stop codon 58 codons downstream. This variant is expected to result in nonsense mediated decay, truncation, or a dysfunctional protein product. This variant is rare in the general population with a frequency below the threshold expected for the associated phenotype(s). This variant has been observed in one or more individuals affected with the associated recessive disease, as either homozygous or compound heterozygous with a second variant (PMID: 9837820). Given the available evidence, this variant is classified as Pathogenic.

National Institute of Allergy and Infectious Diseases - Centralized Sequencing Program, National Institutes of Health
Classification: Pathogenic for APECED. Last evaluated: 2023-09-14. Review status: criteria provided, single submitter. Criteria: ACMG Guidelines, 2015. Collection method: clinical testing. Allele origin: germline. Affected: yes.

Fulgent Genetics
Classification: Pathogenic for Polyglandular autoimmune syndrome, type 1. Last evaluated: 2022-05-19. Review status: criteria provided, single submitter. Criteria: ACMG Guidelines, 2015. Collection method: clinical testing. Allele origin: unknown.

Athena Diagnostics
Classification: Pathogenic. Last evaluated: 2018-03-27. Review status: criteria provided, single submitter. Criteria: Athena Diagnostics Criteria. Collection method: clinical testing. Allele origin: germline.

Rady Children's Institute for Genomic Medicine, Rady Children's Hospital San Diego
Classification: Pathogenic for Polyglandular autoimmune syndrome, type 1. Last evaluated: 2017-10-31. Review status: criteria provided, single submitter. Criteria: ACMG Guidelines, 2015. Collection method: clinical testing. Allele origin: germline. Inheritance: Autosomal recessive inheritance. Affected: yes.
Comment: The c.1265delC; p.Pro422LeufsTer58 variant has been reported previously in a patient with autoimmune polyendocrinopathy syndrome type 1 (AIRE); however, no additional variant was identified in that patient (Heino et al., 1999). The deletion causes a frameshift starting with codon Proline 422, changes this amino acid to a Leucine residue and creates a premature Stop codon at position 58 of the new reading frame, denoted p.Pro422LeufsX58. This pathogenic variant is predicted to cause loss of normal protein function either through protein truncation or nonsense-mediated mRNA decay. Therefore, we consider this variant to be pathogenic.

GeneDx
Classification: Pathogenic. Last evaluated: 2016-08-04. Review status: criteria provided, single submitter. Criteria: GeneDx Variant Classification (06012015). Collection method: clinical testing. Allele origin: germline. Affected: yes.
Comment: The c.1265delC pathogenic variant in the AIRE gene has been reported previously in a patient with autoimmune polyendocrinopathy syndrome type 1; however, no additional variant was identified in that patient (Heino et al., 1999). The deletion causes a frameshift starting with codon Proline 422, changes this amino acid to a Leucine residue and creates a premature Stop codon at position 58 of the new reading frame, denoted p.Pro422LeufsX58. This pathogenic variant is predicted to cause loss of normal protein function either through protein truncation or nonsense-mediated mRNA decay. Therefore, we consider this variant to be pathogenic.

Counsyl
Classification: Likely pathogenic for Polyglandular autoimmune syndrome, type 1. Last evaluated: 2015-07-17. Review status: no assertion criteria provided. Collection method: clinical testing. Allele origin: unknown. Not counted in ClinVar's aggregate classification.

Literature cited by the submitters: PubMed 9837820 (cited by 3 submitters); PubMed 9888391 (cited by 5 submitters); PubMed 2943776 (cited by Women's Health and Genetics/Laboratory Corporation of America, LabCorp); PubMed 11524731 (cited by Labcorp Genetics (formerly Invitae), Labcorp); PubMed 26141571 (cited by Labcorp Genetics (formerly Invitae), Labcorp); PubMed 29437776 (cited by 3 submitters).